The following is an entry in ClinVar:

NM_000748.3(CHRNB2):c.598A>G (p.Ser200Gly)

Gene: CHRNB2 (cholinergic receptor nicotinic beta 2 subunit; plus strand). Cytogenetic location: 1q21.3.
Variant type: single nucleotide variant.
Coding change: c.598A>G on transcript NM_000748.3 (MANE Select); coding-DNA position 598, A replaced by G.
Protein change: p.Ser200Gly; replaces serine 200 with glycine.
Molecular consequence: missense variant.
Genome position (GRCh38, 1-based): chr1:154,571,421, A>G. VCF-style: chr1-154571421-A-G. GRCh37 (hg19) VCF-style: chr1-154543897-A-G.
Other names: short protein forms S200G.
Identifiers: ClinVar variation 4887924 (VCV004887924.1).

ClinVar aggregate classification (germline): Uncertain significance (1 of 4 stars; one submission).

Submission:

GeneDx
Classification: Uncertain significance. Last evaluated: 2026-02-03. Review status: criteria provided, single submitter. Criteria: GeneDx Variant Classification Process June 2021. Collection method: clinical testing. Allele origin: germline.
Comment: Not observed at significant frequency in large population cohorts (gnomAD); In silico analysis supports that this missense variant has a deleterious effect on protein structure/function; Has not been previously published as pathogenic or benign to our knowledge